The following is an entry in ClinVar:

ClinVar aggregate classification (germline): Uncertain significance. Review status: criteria provided, multiple submitters, no conflicts (2 of 4 stars). 3 submissions from 3 submitters: Uncertain significance (3). Last evaluated 2024-05-24.

Conditions:
Inborn genetic diseases. Identifiers: MedGen C0950123, MeSH D030342.

Allele frequency attached by ClinVar (database versions not stated): TOPMed 0.00003; gnomAD 0.00004; ESP Exome Variant Server 0.00022.
gnomAD v4.1: 37 of 1,546,938 alleles (0.0024%); highest among the groups gnomAD compares: South Asian, 0.0048%; no homozygotes.

Submissions (3):

Labcorp Genetics (formerly Invitae), Labcorp
Classification: Uncertain significance. Last evaluated: 2024-05-24. Review status: criteria provided, single submitter. Criteria: Invitae Variant Classification Sherloc (09022015). Collection method: clinical testing. Allele origin: germline.
Comment: This sequence change replaces glycine, which is neutral and non-polar, with serine, which is neutral and polar, at codon 766 of the UNC80 protein (p.Gly766Ser). The frequency data for this variant in the population databases is considered unreliable, as metrics indicate poor data quality at this position in the gnomAD database. This variant has not been reported in the literature in individuals affected with UNC80-related conditions. ClinVar contains an entry for this variant (Variation ID: 2212697). An algorithm developed to predict the effect of missense changes on protein structure and function (PolyPhen-2) suggests that this variant is likely to be tolerated. In summary, the available evidence is currently insufficient to determine the role of this variant in disease. Therefore, it has been classified as a Variant of Uncertain Significance.

Ambry Genetics
Classification: Uncertain significance for Inborn genetic diseases. Last evaluated: 2022-07-19. Review status: criteria provided, single submitter. Criteria: Ambry Variant Classification Scheme 2023. Collection method: clinical testing. Allele origin: germline.

Blueprint Genetics
Classification: Uncertain significance. Last evaluated: 2021-12-29. Review status: criteria provided, single submitter. Criteria: ACMG Guidelines, 2015. Collection method: clinical testing. Allele origin: germline.

NM_001371986.1(UNC80):c.2296G>A (p.Gly766Ser)

Gene: UNC80 (unc-80 subunit of NALCN channel complex; plus strand). Cytogenetic location: 2q34.
Variant type: single nucleotide variant.
Coding change: c.2296G>A on transcript NM_001371986.1 (MANE Select); coding-DNA position 2296, G replaced by A.
Protein change: p.Gly766Ser; replaces glycine 766 with serine.
Molecular consequence: missense variant.
Genome position (GRCh38, 1-based): chr2:209,820,644, G>A. VCF-style: chr2-209820644-G-A. GRCh37 (hg19) VCF-style: chr2-210685368-G-A.
Other names: c.2296G>A, p.Gly766Ser (NM_032504.2, NM_182587.4); short protein forms G766S.
Identifiers: ClinVar variation 2212697 (VCV002212697.5), dbSNP rs376646878, ClinGen allele CA64669605.
Genomic context (GRCh38, chr2:209,820,644, plus strand): 5'-GGAGGTGGAGATGGAGGAGGTGGAGGAGGTGATGGAGGAGGAGGTGGAGGAGGTGGAGGC[G>A]GCCCTTATGAGAAGAATGATAAGAACCAAGAGAAGGTATGACTGAACCACCTTATGTGTC-3'
Protein context (NP_001358915.1, residues 756-776): DGGGGGGGGG[Gly766Ser]PYEKNDKNQE